The following is an entry in ClinVar:

ClinVar aggregate classification (germline): Pathogenic (1 of 4 stars; one submission).

Conditions:
Alpha-N-acetylgalactosaminidase deficiency type 1. Also called: NAGA DEFICIENCY, TYPE I; NEUROAXONAL DYSTROPHY, SCHINDLER TYPE; SCHINDLER DISEASE, TYPE I; ALPHA-N-ACETYLGALACTOSAMINIDASE DEFICIENCY, TYPE I. Identifiers: Orphanet 3137, Orphanet 79279, Orphanet 79281, MedGen C1836544, MONDO:0012221, OMIM 609241.

Submission:

Labcorp Genetics (formerly Invitae), Labcorp
Classification: Pathogenic for Alpha-N-acetylgalactosaminidase deficiency type 1. Last evaluated: 2023-06-23. Review status: criteria provided, single submitter. Criteria: Invitae Variant Classification Sherloc (09022015). Collection method: clinical testing. Allele origin: germline.
Comment: This variant has not been reported in the literature in individuals affected with NAGA-related conditions. For these reasons, this variant has been classified as Pathogenic. This variant is not present in population databases (gnomAD no frequency). This sequence change creates a premature translational stop signal (p.Tyr349*) in the NAGA gene. It is expected to result in an absent or disrupted protein product. Loss-of-function variants in NAGA are known to be pathogenic (PMID: 8782044, 11251574).

Literature cited by the submitters: PubMed 8782044; PubMed 11251574.

NM_000262.3(NAGA):c.1047T>G (p.Tyr349Ter)

Gene: NAGA (alpha-N-acetylgalactosaminidase; minus strand). Cytogenetic location: 22q13.2.
Variant type: single nucleotide variant.
Coding change: c.1047T>G on transcript NM_000262.3 (MANE Select); coding-DNA position 1047, T replaced by G.
Protein change: p.Tyr349Ter; replaces tyrosine 349 with a stop codon.
Molecular consequence: nonsense.
Genome position (GRCh38, 1-based): chr22:42,060,978, A>C on the plus strand (T>G on the coding strand, the complement: NAGA is on the minus strand). VCF-style: chr22-42060978-A-C. GRCh37 (hg19) VCF-style: chr22-42456982-A-C.
Other names: c.1047T>G, p.Tyr349Ter (NM_001362848.1, NM_001362850.1); short protein forms Y349*.
Identifiers: ClinVar variation 2725305 (VCV002725305.3), dbSNP rs2519053431, ClinGen allele CA411766149.